The following is an entry in ClinVar:

NM_005051.3(QARS1):c.1094T>C (p.Leu365Pro)

Gene: QARS1 (glutaminyl-tRNA synthetase 1; minus strand). Cytogenetic location: 3p21.31.
Variant type: single nucleotide variant.
Coding change: c.1094T>C on transcript NM_005051.3 (MANE Select); coding-DNA position 1094, T replaced by C.
Protein change: p.Leu365Pro; replaces leucine 365 with proline.
Molecular consequence: missense variant. On other transcripts: non-coding transcript variant (1).
Genome position (GRCh38, 1-based): chr3:49,100,260, A>G on the plus strand (T>C on the coding strand, the complement: QARS1 is on the minus strand). VCF-style: chr3-49100260-A-G. GRCh37 (hg19) VCF-style: chr3-49137693-A-G.
Other names: c.1061T>C, p.Leu354Pro (NM_001272073.2); short protein forms L354P, L365P.
Identifiers: ClinVar variation 1487903 (VCV001487903.6), dbSNP rs962759884, ClinGen allele CA74474665.

ClinVar aggregate classification (germline): Uncertain significance (1 of 4 stars; one submission).

Conditions:
Diffuse cerebral and cerebellar atrophy - intractable seizures - progressive microcephaly syndrome. Also called: Microcephaly, progressive, with seizures and cerebral and cerebellar atrophy. Identifiers: Orphanet 404437, MedGen C4014239, MONDO:0014335, OMIM 615760.

Allele frequency attached by ClinVar (database versions not stated): TOPMed below 0.00001; gnomAD exomes 0.00001 and 0.00002.
gnomAD v4.1: 9 of 1,614,074 alleles (0.00056%); highest among the groups gnomAD compares: Admixed American, 0.0017%; no homozygotes.

Submission:

Labcorp Genetics (formerly Invitae), Labcorp
Classification: Uncertain significance for Diffuse cerebral and cerebellar atrophy - intractable seizures - progressive microcephaly syndrome. Last evaluated: 2022-07-19. Review status: criteria provided, single submitter. Criteria: Invitae Variant Classification Sherloc (09022015). Collection method: clinical testing. Allele origin: germline.
Comment: This variant is present in population databases (no rsID available, gnomAD 0.003%). In summary, the available evidence is currently insufficient to determine the role of this variant in disease. Therefore, it has been classified as a Variant of Uncertain Significance. Algorithms developed to predict the effect of missense changes on protein structure and function are either unavailable or do not agree on the potential impact of this missense change (SIFT: "Deleterious"; PolyPhen-2: "Probably Damaging"; Align-GVGD: "Class C0"). ClinVar contains an entry for this variant (Variation ID: 1487903). This variant has not been reported in the literature in individuals affected with QARS-related conditions. This sequence change replaces leucine, which is neutral and non-polar, with proline, which is neutral and non-polar, at codon 365 of the QARS protein (p.Leu365Pro).